The following is an entry in ClinVar:

NM_015650.4(IFT54):c.885G>A (p.Lys295=)

Gene: IFT54 (intraflagellar transport 54; plus strand). Cytogenetic location: 2q37.3.
Variant type: single nucleotide variant.
Coding change: c.885G>A on transcript NM_015650.4 (MANE Select); coding-DNA position 885, G replaced by A.
Protein change: p.Lys295=; no amino-acid change (lysine 295 retained).
Molecular consequence: synonymous variant.
Genome position (GRCh38, 1-based): chr2:238,329,312, G>A. VCF-style: chr2-238329312-G-A. GRCh37 (hg19) VCF-style: chr2-239237953-G-A.
Other names: c.885G>A, p.Lys295= (NM_001139490.1).
Identifiers: ClinVar variation 1113790 (VCV001113790.15), dbSNP rs12464423, ClinGen allele CA2198163.

ClinVar aggregate classification (germline): Likely benign. Review status: criteria provided, multiple submitters, no conflicts (2 of 4 stars). 3 submissions from 3 submitters: Likely benign (3). Last evaluated 2025-12-26.

Submissions (3):

Labcorp Genetics (formerly Invitae), Labcorp
Classification: Likely benign. Last evaluated: 2025-12-26. Review status: criteria provided, single submitter. Criteria: Invitae Variant Classification Sherloc (09022015). Collection method: clinical testing. Allele origin: germline.

CeGaT Center for Human Genetics Tuebingen
Classification: Likely benign. Last evaluated: 2025-03-01. Review status: criteria provided, single submitter. Criteria: CeGaT Center For Human Genetics Tuebingen Variant Classification Criteria Version 2. Collection method: clinical testing. Allele origin: germline. Affected: yes. Observed: 1 variant allele.
Comment: IFT54: BP4, BP7

Blueprint Genetics
Classification: Likely benign. Last evaluated: 2024-10-25. Review status: criteria provided, single submitter. Criteria: ACMG Guidelines, 2015. Collection method: clinical testing. Allele origin: germline.